The following is an entry in ClinVar:

NM_006231.4(POLE):c.5367dup (p.Asn1790Ter)

Gene: POLE (DNA polymerase epsilon, catalytic subunit; minus strand). Cytogenetic location: 12q24.33.
Variant type: Duplication.
Coding change: c.5367dup on transcript NM_006231.4 (MANE Select); coding-DNA position 5367, one base duplicated (T; older notation c.5367dupT).
Protein change: p.Asn1790Ter; replaces asparagine 1790 with a stop codon.
Molecular consequence: nonsense.
Genome position (GRCh38, 1-based): chr12:132,641,658, A duplicated on the plus strand (T on the coding strand, the reverse complement: POLE is on the minus strand). VCF-style (leftmost placement, unchanged base first): chr12-132641657-T-TA. GRCh37 (hg19) VCF-style: chr12-133218243-T-TA.
Other names: c.5367dupT (NM_006231.3); c.5367dup (NM_006231.2); short protein forms N1790*.
Identifiers: ClinVar variation 405606 (VCV000405606.16), dbSNP rs959133191, ClinGen allele CA16613755.

ClinVar aggregate classification (germline): Conflicting classifications of pathogenicity. Review status: criteria provided, conflicting classifications (1 of 4 stars). 3 submissions from 3 submitters: Pathogenic (1); Uncertain significance (2). Last evaluated 2026-01-09.

Conditions:
Hereditary cancer-predisposing syndrome. Also called: Neoplastic Syndromes, Hereditary; Tumor predisposition; Hereditary neoplastic syndrome; Hereditary Cancer Syndrome. Identifiers: Orphanet 140162, MedGen C0027672, MeSH D009386, MONDO:0015356.

Allele frequency attached by ClinVar (database versions not stated): gnomAD exomes below 0.00001; TOPMed below 0.00001.

Submissions (3):

Ambry Genetics
Classification: Uncertain significance for Hereditary cancer-predisposing syndrome. Last evaluated: 2026-01-09. Review status: criteria provided, single submitter. Criteria: Ambry Variant Classification Scheme 2023. Collection method: clinical testing. Allele origin: germline.
Comment: The c.5367dupT variant, located in coding exon 39 of the POLE gene, results from a duplication of T at nucleotide position 5367, causing a translational frameshift with a predicted alternate stop codon (p.N1790*). This alteration is expected to result in loss of function by premature protein truncation or nonsense-mediated mRNA decay. Although biallelic loss of function of POLE has been associated with autosomal recessive POLE deficiency, haploinsufficiency of POLE has not been established as a mechanism of disease for POLE-related polymerase proofreading-associated polyposis (PPAP) and POLE-related CMMRD-like syndrome. Based on the supporting evidence, this variant is expected to be causative of POLE deficiency when present along with a second pathogenic variant on the other allele; however, its clinical significance for PPAP and POLE-related CMMRD-like syndrome is unclear.

Labcorp Genetics (formerly Invitae), Labcorp
Classification: Pathogenic. Last evaluated: 2025-12-21. Review status: criteria provided, single submitter. Criteria: Invitae Variant Classification Sherloc (09022015). Collection method: clinical testing. Allele origin: germline.
Comment: This sequence change creates a premature translational stop signal (p.Asn1790*) in the POLE gene. It is expected to result in an absent or disrupted protein product. Loss-of-function variants in POLE are known to be pathogenic (PMID: 23230001, 25948378, 30503519). This variant is not present in population databases (gnomAD no frequency). This variant has not been reported in the literature in individuals affected with POLE-related conditions. ClinVar contains an entry for this variant (Variation ID: 405606). Algorithms developed to predict the effect of sequence changes on RNA splicing suggest that this variant may disrupt the consensus splice site. For these reasons, this variant has been classified as Pathogenic.

GeneDx
Classification: Uncertain significance. Last evaluated: 2019-08-05. Review status: criteria provided, single submitter. Criteria: GeneDx Variant Classification Process June 2021. Collection method: clinical testing. Allele origin: germline. Affected: yes.
Comment: Not observed in large population cohorts (Lek 2016); Has not been previously published as pathogenic or benign to our knowledge

Literature cited by the submitters: PubMed 23230001 (cited by Labcorp Genetics (formerly Invitae), Labcorp); PubMed 25948378 (cited by Labcorp Genetics (formerly Invitae), Labcorp); PubMed 30503519 (cited by Labcorp Genetics (formerly Invitae), Labcorp).